The following is an entry in ClinVar:

NM_007327.4(GRIN1):c.2117T>C (p.Met706Thr)

Gene: GRIN1 (glutamate ionotropic receptor NMDA type subunit 1; plus strand). Cytogenetic location: 9q34.3.
Variant type: single nucleotide variant.
Coding change: c.2117T>C on transcript NM_007327.4 (MANE Select); coding-DNA position 2117, T replaced by C.
Protein change: p.Met706Thr; replaces methionine 706 with threonine.
Molecular consequence: missense variant.
Genome position (GRCh38, 1-based): chr9:137,162,949, T>C. VCF-style: chr9-137162949-T-C. GRCh37 (hg19) VCF-style: chr9-140057401-T-C.
Other names: c.2117T>C, p.Met706Thr (NM_000832.7, NM_021569.4); c.2180T>C, p.Met727Thr (NM_001185090.2, NM_001185091.2, NM_001437330.1 and 1 more transcripts); short protein forms M706T, M727T.
Identifiers: ClinVar variation 5040559 (VCV005040559.1).
Genomic context (GRCh38, chr9:137,162,949, plus strand): 5'-AGAGCTCCGTGGATATCTACTTCCGGCGCCAGGTGGAGCTGAGCACCATGTACCGGCATA[T>C]GGAGAAGCACAACTACGAGAGTGCGGCGGAGGCCATCCAGGCCGTGAGAGACAAGTGAGG-3'
Protein context (NP_015566.1, residues 696-716): QVELSTMYRH[Met706Thr]EKHNYESAAE

ClinVar aggregate classification (germline): Uncertain significance (1 of 4 stars; one submission).

Submission:

CeGaT Center for Human Genetics Tuebingen
Classification: Uncertain significance. Last evaluated: 2026-08-01. Review status: criteria provided, single submitter. Criteria: CeGaT Center For Human Genetics Tuebingen Variant Classification Criteria Version 2. Collection method: clinical testing. Allele origin: germline. Affected: yes. Observed: 1 variant allele.
Comment: GRIN1: PM2, PM5:Supporting, PP2